The following is an entry in ClinVar:

ClinVar aggregate classification (germline): Uncertain significance (1 of 4 stars; one submission).

Conditions:
Glycogen storage disease, type VII (GSD7). Also called: GSD VII; MUSCLE PHOSPHOFRUCTOKINASE DEFICIENCY; PFKM DEFICIENCY; TARUI DISEASE. Identifiers: Orphanet 371, MedGen C0017926, MONDO:0009295, OMIM 232800.

gnomAD v4.1: 13 of 1,503,574 alleles (0.00086%); highest among the groups gnomAD compares: South Asian, 0.0056%; no homozygotes.

Submission:

Juno Genomics, Hangzhou Juno Genomics, Inc
Classification: Uncertain significance for Glycogen storage disease, type VII. Review status: criteria provided, single submitter. Criteria: ACMG Guidelines, 2015. Collection method: clinical testing. Allele origin: germline. Affected: yes.
Comment: Absent from controls (or at extremely low frequency if recessive) in Genome Aggregation Database, Exome Sequencing Project, 1000 Genomes Project, or Exome Aggregation Consortium.;Multiple lines of computational evidence support a deleterious effect on the gene or gene product (conservation, evolutionary, splicing impact, etc).;For recessive disorders, detected in trans with a pathogenic variant.

NM_000289.6(PFKM):c.1127+44C>T

Gene: PFKM (phosphofructokinase, muscle; plus strand). Cytogenetic location: 12q13.11.
Variant type: single nucleotide variant.
Coding change: c.1127+44C>T on transcript NM_000289.6 (MANE Select); 44 bases into the intron after coding-DNA position 1127, C replaced by T.
Molecular consequence: intron variant. On other transcripts: non-coding transcript variant (3).
Genome position (GRCh38, 1-based): chr12:48,139,393, C>T. VCF-style: chr12-48139393-C-T. GRCh37 (hg19) VCF-style: chr12-48533176-C-T.
Other names: c.1151+44C>T (NM_001354741.2); c.1127+44C>T (NM_001354742.2, NM_001354743.2, NM_001354744.2 and 2 more transcripts); c.977+44C>T (NM_001354747.2, NM_001354748.2); c.1340+44C>T (NM_001166686.2, NM_001354737.1, NM_001354739.1 and 1 more transcripts); c.1436+44C>T (NM_001354736.1, NM_001354735.1); c.1271+44C>T (NM_001354740.1); c.1040+44C>T (NM_001354745.2); c.1001+44C>T (NM_001354746.2); and 1 more.
Identifiers: ClinVar variation 3392485 (VCV003392485.2).